The following is an entry in ClinVar:

NM_000057.4(BLM):c.3395G>A (p.Gly1132Glu)

Gene: BLM (BLM RecQ like helicase; plus strand). Cytogenetic location: 15q26.1.
Variant type: single nucleotide variant.
Coding change: c.3395G>A on transcript NM_000057.4 (MANE Select); coding-DNA position 3395, G replaced by A.
Protein change: p.Gly1132Glu; replaces glycine 1132 with glutamic acid.
Molecular consequence: missense variant. On other transcripts: intron variant (1).
Genome position (GRCh38, 1-based): chr15:90,803,557, G>A. VCF-style: chr15-90803557-G-A. GRCh37 (hg19) VCF-style: chr15-91346787-G-A.
Other names: c.3395G>A, p.Gly1132Glu (NM_001287246.2); c.2270G>A, p.Gly757Glu (NM_001287248.2); c.3358+5220G>A (NM_001287247.2); short protein forms G1132E, G757E.
Identifiers: ClinVar variation 4533150 (VCV004533150.1).
Genomic context (GRCh38, chr15:90,803,557, plus strand): 5'-TTACTTCCTGTATCTTCTTATCAGGGAGTAAGAGTGCAAAAATCCAGTCAGGTATATTTG[G>A]AAAAGGATCTGCTTATTCACGACACAATGCCGAAAGACTTTTTAAAAAGCTGATACTTGA-3'
Protein context (NP_000048.1, residues 1122-1142): KSAKIQSGIF[Gly1132Glu]KGSAYSRHNA

ClinVar aggregate classification (germline): Uncertain significance (1 of 4 stars; one submission).

Submission:

Quest Diagnostics Nichols Institute San Juan Capistrano
Classification: Uncertain significance. Last evaluated: 2025-01-02. Review status: criteria provided, single submitter. Criteria: Quest Diagnostics criteria. Collection method: clinical testing. Allele origin: unknown.
Comment: The BLM c.3395G>A (p.Gly1132Glu) variant has not been reported in individuals with BLM-related conditions in the published literature. It also has not been reported in large, multi-ethnic general populations (Genome Aggregation Database). Analysis of this variant using bioinformatics tools for the prediction of the effect of amino acid changes on protein structure and function yielded predictions that this variant is benign. Based on the available information, we are unable to determine the clinical significance of this variant.